The following is an entry in ClinVar:

NM_152618.3(BBS12):c.682C>T (p.Gln228Ter)

Gene: BBS12 (Bardet-Biedl syndrome 12; plus strand). Cytogenetic location: 4q27.
Variant type: single nucleotide variant.
Coding change: c.682C>T on transcript NM_152618.3 (MANE Select); coding-DNA position 682, C replaced by T.
Protein change: p.Gln228Ter; replaces glutamine 228 with a stop codon.
Molecular consequence: nonsense.
Genome position (GRCh38, 1-based): chr4:122,742,574, C>T. VCF-style: chr4-122742574-C-T. GRCh37 (hg19) VCF-style: chr4-123663729-C-T.
Other names: c.682C>T, p.Gln228Ter (NM_001178007.2); short protein forms Q228*.
Identifiers: ClinVar variation 550788 (VCV000550788.12), dbSNP rs769588983, ClinGen allele CA3069312.

ClinVar aggregate classification (germline): Pathogenic/Likely pathogenic. Review status: criteria provided, multiple submitters, no conflicts (2 of 4 stars). 7 submissions from 7 submitters: Pathogenic (1); Likely pathogenic (4). 2 of the submissions do not count toward it. Last evaluated 2025-10-26.

Conditions:
BBS12-related disorder. Also called: BBS12-related condition.
Bardet-Biedl syndrome (BBS). Identifiers: Orphanet 110, MedGen C0752166, MONDO:0015229.
Bardet-Biedl syndrome 12 (BBS12). Identifiers: Orphanet 110, MedGen C1859570, MONDO:0014440, OMIM 615989.

Allele frequency attached by ClinVar (database versions not stated): gnomAD exomes below 0.00001 and 0.00002; ExAC 0.00001.
gnomAD v4.1: 26 of 1,614,226 alleles (0.0016%); highest among the groups gnomAD compares: Non-Finnish European, 0.0021%; no homozygotes.

Submissions (7):

Labcorp Genetics (formerly Invitae), Labcorp
Classification: Pathogenic for Bardet-Biedl syndrome. Last evaluated: 2025-10-26. Review status: criteria provided, single submitter. Criteria: Invitae Variant Classification Sherloc (09022015). Collection method: clinical testing. Allele origin: germline.
Comment: This sequence change creates a premature translational stop signal (p.Gln228*) in the BBS12 gene. While this is not anticipated to result in nonsense mediated decay, it is expected to disrupt the last 483 amino acid(s) of the BBS12 protein. This variant is present in population databases (rs769588983, gnomAD 0.0009%). This variant has not been reported in the literature in individuals affected with BBS12-related conditions. ClinVar contains an entry for this variant (Variation ID: 550788). This variant disrupts a region of the BBS12 protein in which other variant(s) (p.Arg355*) have been determined to be pathogenic (PMID: 17160889, 23591405). This suggests that this is a clinically significant region of the protein, and that variants that disrupt it are likely to be disease-causing. For these reasons, this variant has been classified as Pathogenic.

Fulgent Genetics
Classification: Likely pathogenic for Bardet-Biedl syndrome 12. Last evaluated: 2024-05-14. Review status: criteria provided, single submitter. Criteria: ACMG Guidelines, 2015. Collection method: clinical testing. Allele origin: germline.

Baylor Genetics
Classification: Likely pathogenic for Bardet-Biedl syndrome 12. Last evaluated: 2024-03-04. Review status: criteria provided, single submitter. Criteria: ACMG Guidelines, 2015. Collection method: clinical testing. Allele origin: unknown.

Laboratory of Medical Genetics, National & Kapodistrian University of Athens
Classification: Likely pathogenic for Bardet-Biedl syndrome 12. Last evaluated: 2024-02-01. Review status: criteria provided, single submitter. Criteria: ACMG Guidelines, 2015. Collection method: curation. Allele origin: germline. Affected: no.

Blueprint Genetics
Classification: Likely pathogenic for BBS12-related disorders. Last evaluated: 2022-08-20. Review status: criteria provided, single submitter. Criteria: ACMG Guidelines, 2015. Collection method: clinical testing. Allele origin: germline. Affected: yes. Observed: 1 variant allele.

PreventionGenetics, part of Exact Sciences
Classification: Likely pathogenic for BBS12-related condition. Last evaluated: 2024-07-11. Review status: no assertion criteria provided. Collection method: clinical testing. Allele origin: germline. Not counted in ClinVar's aggregate classification.
Comment: The BBS12 c.682C>T variant is predicted to result in premature protein termination (p.Gln228*). To our knowledge, this variant has not previously been reported in the literature in association with disease. This variant is reported in 0.00088% of alleles in individuals of European (Non-Finnish) descent in gnomAD. This variant is located in the last exon of BBS12, and therefore the resulting transcript may not undergo nonsense-mediated decay; however, other protein-truncating variants in this region have been reported in association with disease (see, for example, supplementary data, Glockle et al. 2014. PubMed ID: 23591405; Stoetzel et al. 2007. PubMed ID: 17160889). Taken together, this variant is interpreted as likely pathogenic.

Counsyl
Classification: Likely pathogenic for Bardet-Biedl syndrome 12. Last evaluated: 2017-02-21. Review status: no assertion criteria provided. Collection method: clinical testing. Allele origin: unknown. Not counted in ClinVar's aggregate classification.

Literature cited by the submitters: PubMed 17160889 (cited by Labcorp Genetics (formerly Invitae), Labcorp); PubMed 23591405 (cited by Labcorp Genetics (formerly Invitae), Labcorp).